The following is an entry in ClinVar:

ClinVar aggregate classification (germline): Uncertain significance (1 of 4 stars; one submission).

Submission:

CeGaT Center for Human Genetics Tuebingen
Classification: Uncertain significance. Last evaluated: 2025-11-01. Review status: criteria provided, single submitter. Criteria: CeGaT Center For Human Genetics Tuebingen Variant Classification Criteria Version 2. Collection method: clinical testing. Allele origin: germline. Affected: yes. Observed: 1 variant allele.
Comment: CNKSR2: PM2

NM_014927.5(CNKSR2):c.1100A>G (p.Lys367Arg)

Gene: CNKSR2 (connector enhancer of kinase suppressor of Ras 2; plus strand). Cytogenetic location: Xp22.12.
Variant type: single nucleotide variant.
Coding change: c.1100A>G on transcript NM_014927.5 (MANE Select); coding-DNA position 1100, A replaced by G.
Protein change: p.Lys367Arg; replaces lysine 367 with arginine.
Molecular consequence: missense variant.
Genome position (GRCh38, 1-based): chrX:21,531,864, A>G. VCF-style: chrX-21531864-A-G. GRCh37 (hg19) VCF-style: chrX-21549982-A-G.
Other names: c.1100A>G, p.Lys367Arg (NM_001168647.3, NM_001168648.3, NM_001330773.2); c.953A>G, p.Lys318Arg (NM_001168649.3, NM_001330770.2, NM_001330771.2 and 1 more transcripts); short protein forms K318R, K367R.
Identifiers: ClinVar variation 4535190 (VCV004535190.6).